The following is an entry in ClinVar:

NM_021930.6(RINT1):c.892G>A (p.Ala298Thr)

Gene: RINT1 (RAD50 interactor 1; plus strand). Cytogenetic location: 7q22.3.
Variant type: single nucleotide variant.
Coding change: c.892G>A on transcript NM_021930.6 (MANE Select); coding-DNA position 892, G replaced by A.
Protein change: p.Ala298Thr; replaces alanine 298 with threonine.
Molecular consequence: missense variant. On other transcripts: 5 prime UTR variant (2), non-coding transcript variant (1), intron variant (1).
Genome position (GRCh38, 1-based): chr7:105,548,606, G>A. VCF-style: chr7-105548606-G-A. GRCh37 (hg19) VCF-style: chr7-105189053-G-A.
Other names: c.658G>A, p.Ala220Thr (NM_001346599.2); c.-128G>A (NM_001346600.2); c.-33G>A (NM_001346601.2); c.-27-1449G>A (NM_001346603.2); short protein forms A220T, A298T.
Identifiers: ClinVar variation 856551 (VCV000856551.9), dbSNP rs1790785723, ClinGen allele CA368807926.
Genomic context (GRCh38, chr7:105,548,606, plus strand): 5'-TATGTCAGAGATGAATTACTTACTGAGCCAAAGCAACTCCCAGAAAAATACTCTCTTCCT[G>A]CCTCCCCTTCTGTCATCCTGCCCATCCAGGTTATGCTGACTCCTCTTCAGAAGAGGTTCA-3'
Protein context (NP_068749.3, residues 288-308): KQLPEKYSLP[Ala298Thr]SPSVILPIQV

ClinVar aggregate classification (germline): Uncertain significance (1 of 4 stars; one submission).

Submission:

Labcorp Genetics (formerly Invitae), Labcorp
Classification: Uncertain significance. Last evaluated: 2019-02-09. Review status: criteria provided, single submitter. Criteria: Invitae Variant Classification Sherloc (09022015). Collection method: clinical testing. Allele origin: germline.
Comment: This sequence change replaces alanine with threonine at codon 298 of the RINT1 protein (p.Ala298Thr). The alanine residue is weakly conserved and there is a small physicochemical difference between alanine and threonine. This variant is not present in population databases (ExAC no frequency). This variant has not been reported in the literature in individuals with RINT1-related conditions. Algorithms developed to predict the effect of missense changes on protein structure and function output the following: SIFT: "Tolerated"; PolyPhen-2: "Benign"; Align-GVGD: "Class C0". The threonine amino acid residue is found in multiple mammalian species, suggesting that this missense change does not adversely affect protein function. These predictions have not been confirmed by published functional studies and their clinical significance is uncertain. In summary, the available evidence is currently insufficient to determine the role of this variant in disease. Therefore, it has been classified as a Variant of Uncertain Significance.